The following is an entry in ClinVar:

ClinVar aggregate classification (germline): Uncertain significance. Review status: criteria provided, multiple submitters, no conflicts (2 of 4 stars). 3 submissions from 3 submitters: Uncertain significance (2). 1 of the submissions does not count toward it. Last evaluated 2016-08-01.

Conditions:
Renal cysts and diabetes syndrome (RCAD). Also called: Familial hypoplastic, glomerulocystic kidney; MATURITY-ONSET DIABETES OF THE YOUNG, TYPE 5. Identifiers: Orphanet 93111, MedGen C0431693, MONDO:0007669, OMIM 137920.
Maturity-onset diabetes of the young (MODY). Also called: Maturity onset diabetes mellitus in young. Identifiers: Orphanet 552, MedGen C0342276, MONDO:0018911, HP:0004904.

Submissions (3):

Ambry Genetics
Classification: Uncertain significance for Maturity-onset diabetes of the young. Last evaluated: 2016-08-01. Review status: criteria provided, single submitter. Criteria: Ambry Variant Classification Scheme 2023. Collection method: clinical testing. Allele origin: germline.
Comment: The p.G53W variant (also known as c.157G>T), located in coding exon 1 of the HNF1B gene, results from a G to T substitution at nucleotide position 157. The glycine at codon 53 is replaced by tryptophan, an amino acid with highly dissimilar properties. This variant was not reported in population based cohorts in the following databases: Database of Single Nucleotide Polymorphisms (dbSNP), NHLBI Exome Sequencing Project (ESP), and 1000 Genomes Project. In the ESP, this variant was not observed in 6503 samples (13006 alleles) with coverage at this position. This amino acid position is highly conserved in available vertebrate species. In addition, the in silico prediction for this alteration is inconclusive. Since supporting evidence is limited at this time, the clinical significance of this alteration remains unclear.

Human Genome Sequencing Center Clinical Lab, Baylor College of Medicine
Classification: Uncertain significance for Renal cysts and diabetes syndrome. Review status: criteria provided, single submitter. Criteria: ACMG Guidelines, 2015. Collection method: clinical testing. Allele origin: germline.

Clinical Genomics, Uppaluri K&H Personalized Medicine Clinic
Classification: Likely risk allele for Maturity-onset diabetes of the young. Review status: flagged submission. Criteria: K & H Uppaluri Personalized Medicine Clinic Variant Classification & Assertion Criteria_Updated V.1. Collection method: research. Allele origin: unknown. Inheritance: Autosomal dominant inheritance. Not counted in ClinVar's aggregate classification.
Comment: HNF1B gene mutations are associated with early onset diabetes and pancreatic atrophy. It is also associated with multiple renal manifestations including renal cysts, Tubulointerstitial disease, glomerulocystic disease, renal hypoplasia, hypomagnesemia. However no sufficient evidence is found to ascertain the role of this particular variant rs2034119580, yet.
ClinVar note: Notes: Lab calls the variant likely risk allele but says "no sufficient evidence is found to ascertain the role of this particular variant”.
ClinVar note: Reason: Claim with insufficient supporting evidence

Literature cited by the submitters: PubMed 24897035 (cited by Clinical Genomics, Uppaluri K&H Personalized Medicine Clinic); PubMed 25536396 (cited by Clinical Genomics, Uppaluri K&H Personalized Medicine Clinic); PubMed 27615128 (cited by Clinical Genomics, Uppaluri K&H Personalized Medicine Clinic); PubMed 28215227 (cited by Clinical Genomics, Uppaluri K&H Personalized Medicine Clinic); PubMed 33434175 (cited by Clinical Genomics, Uppaluri K&H Personalized Medicine Clinic); PubMed 25741167 (cited by Clinical Genomics, Uppaluri K&H Personalized Medicine Clinic); PubMed 26340261 (cited by Clinical Genomics, Uppaluri K&H Personalized Medicine Clinic); PubMed 19639018 (cited by Clinical Genomics, Uppaluri K&H Personalized Medicine Clinic).

NM_000458.4(HNF1B):c.157G>T (p.Gly53Trp)

Gene: HNF1B (HNF1 homeobox B; minus strand). Cytogenetic location: 17q12.
Variant type: single nucleotide variant.
Coding change: c.157G>T on transcript NM_000458.4 (MANE Select); coding-DNA position 157, G replaced by T.
Protein change: p.Gly53Trp; replaces glycine 53 with tryptophan.
Molecular consequence: missense variant.
Genome position (GRCh38, 1-based): chr17:37,744,728, C>A on the plus strand (G>T on the coding strand, the complement: HNF1B is on the minus strand). VCF-style: chr17-37744728-C-A. GRCh37 (hg19) VCF-style: chr17-36104719-C-A.
Other names: c.157G>T, p.Gly53Trp (NM_001165923.4, NM_001304286.2); short protein forms G53W.
Identifiers: ClinVar variation 979138 (VCV000979138.4), dbSNP rs2034119580, ClinGen allele CA398754211.